The following is an entry in ClinVar:

NM_001283009.2(RTEL1):c.539A>G (p.Glu180Gly)

Genes: RTEL1 (regulator of telomere elongation helicase 1; plus strand), RTEL1-TNFRSF6B (RTEL1-TNFRSF6B readthrough (NMD candidate); plus strand). Cytogenetic location: 20q13.33.
Variant type: single nucleotide variant.
Coding change: c.539A>G on transcript NM_001283009.2 (MANE Select); coding-DNA position 539, A replaced by G.
Protein change: p.Glu180Gly; replaces glutamic acid 180 with glycine.
Molecular consequence: missense variant. On other transcripts: non-coding transcript variant (1), 5 prime UTR variant (1).
Genome position (GRCh38, 1-based): chr20:63,666,004, A>G. VCF-style: chr20-63666004-A-G. GRCh37 (hg19) VCF-style: chr20-62297357-A-G.
Other names: c.-131A>G (NM_001283010.1); c.539A>G, p.Glu180Gly (NM_016434.4); c.611A>G, p.Glu204Gly (NM_032957.5); short protein forms E180G, E204G.
Identifiers: ClinVar variation 1723712 (VCV001723712.8), dbSNP rs2517009694, ClinGen allele CA409670429.

ClinVar aggregate classification (germline): Uncertain significance. Review status: criteria provided, multiple submitters, no conflicts (2 of 4 stars). 3 submissions from 3 submitters: Uncertain significance (3). Last evaluated 2025-12-16.

Conditions:
Dyskeratosis congenita, autosomal recessive 5 (DKCB5). Identifiers: MedGen C3554656, MONDO:0014076, OMIM 615190.
Pulmonary fibrosis and/or bone marrow failure, Telomere-related, 3. Also called: PULMONARY FIBROSIS AND/OR BONE MARROW FAILURE SYNDROME, TELOMERE-RELATED, 3. Identifiers: Orphanet 2032, MedGen C4225346, MONDO:0014613, OMIM 616373.
Inborn genetic diseases. Identifiers: MedGen C0950123, MeSH D030342.

Submissions (3):

Labcorp Genetics (formerly Invitae), Labcorp
Classification: Uncertain significance for Dyskeratosis congenita, autosomal recessive 5; Pulmonary fibrosis and/or bone marrow failure, Telomere-related, 3. Last evaluated: 2025-12-16. Review status: criteria provided, single submitter. Criteria: Invitae Variant Classification Sherloc (09022015). Collection method: clinical testing. Allele origin: germline.
Comment: This sequence change replaces glutamic acid, which is acidic and polar, with glycine, which is neutral and non-polar, at codon 180 of the RTEL1 protein (p.Glu180Gly). This variant is not present in population databases (gnomAD no frequency). This variant has not been reported in the literature in individuals affected with RTEL1-related conditions. ClinVar contains an entry for this variant (Variation ID: 1723712). An algorithm developed to predict the effect of missense changes on protein structure and function (PolyPhen-2) suggests that this variant is likely to be disruptive. In summary, the available evidence is currently insufficient to determine the role of this variant in disease. Therefore, it has been classified as a Variant of Uncertain Significance.

Ambry Genetics
Classification: Uncertain significance for Inborn genetic diseases. Last evaluated: 2024-11-25. Review status: criteria provided, single submitter. Criteria: Ambry Variant Classification Scheme 2023. Collection method: clinical testing. Allele origin: germline.
Comment: The p.E180G variant (also known as c.539A>G) is located in coding exon 6 of the RTEL1 gene. The glutamic acid at codon 180 is replaced by glycine, an amino acid with similar properties. This change occurs in the first base pair of coding exon 6. This amino acid position is conserved. In addition, this alteration is predicted to be tolerated by in silico analysis. Based on the available evidence, the clinical significance of this variant remains unclear.

GeneDx
Classification: Uncertain significance. Last evaluated: 2022-05-13. Review status: criteria provided, single submitter. Criteria: GeneDx Variant Classification Process June 2021. Collection method: clinical testing. Allele origin: germline. Affected: yes.
Comment: Not observed at significant frequency in large population cohorts (gnomAD); In silico analysis supports that this missense variant has a deleterious effect on protein structure/function; Has not been previously published as pathogenic or benign to our knowledge